The following is an entry in ClinVar:

NM_198334.3(GANAB):c.-1G>A

Gene: GANAB (glucosidase II alpha subunit; minus strand). Cytogenetic location: 11q12.3.
Variant type: single nucleotide variant.
Coding change: c.-1G>A on transcript NM_198334.3 (MANE Select); 1 bases upstream of the start codon, G replaced by A.
Molecular consequence: 5 prime UTR variant.
Genome position (GRCh38, 1-based): chr11:62,646,600, C>T on the plus strand (G>A on the coding strand, the complement: GANAB is on the minus strand). VCF-style: chr11-62646600-C-T. GRCh37 (hg19) VCF-style: chr11-62414072-C-T.
Other names: c.-1G>A (NM_001278192.2, NM_001278193.2, NM_198335.4); c.-183G>A (NM_001278194.2); c.-288G>A (NM_001329223.2); c.-777G>A (NM_001329225.2).
Identifiers: ClinVar variation 1327292 (VCV001327292.2), dbSNP rs771244942, ClinGen allele CA6051275.
Genomic context (GRCh38, chr11:62,646,600, plus strand): 5'-CCCCAGATTCCGGGCTCCTCACCGCCTCCTACGCGCCGCCACTGCCGCTACCGCCGCCAT[C>T]TTGTGCAGAGTTTGCTCCTTGACCCCAAACCTCCCGCCCCATCGCGCGCGCTCAGCCACG-3'

ClinVar aggregate classification (germline): Uncertain significance (1 of 4 stars; one submission).

Allele frequency attached by ClinVar (database versions not stated): gnomAD exomes below 0.00001; TOPMed below 0.00001; ExAC 0.00001; gnomAD 0.00001.
gnomAD v4.1: 4 of 1,613,942 alleles (0.00025%); highest among the groups gnomAD compares: Non-Finnish European, 0.00034%; no homozygotes.

Submission:

GeneDx
Classification: Uncertain significance. Last evaluated: 2021-06-01. Review status: criteria provided, single submitter. Criteria: GeneDx Variant Classification Process June 2021. Collection method: clinical testing. Allele origin: germline. Affected: yes.
Comment: Not observed at significant frequency in large population cohorts (Lek et al., 2016); Has not been previously published as pathogenic or benign to our knowledge; This variant is associated with the following publications: (PMID: 27535533)